The following is an entry in ClinVar:

ClinVar aggregate classification (germline): Uncertain significance (1 of 4 stars; one submission).

Conditions:
Gastrointestinal stromal tumor. Also called: Gastrointestinal stroma tumor; Gastrointestinal stromal tumor, somatic. Identifiers: Orphanet 44890, MedGen C0238198, MeSH D046152, MONDO:0011719, OMIM 606764, HP:0100723.

gnomAD v4.1: 1 of 1,613,878 alleles (0.000062%); highest among the groups gnomAD compares: South Asian, 0.0011%; no homozygotes.

Submission:

Labcorp Genetics (formerly Invitae), Labcorp
Classification: Uncertain significance for Gastrointestinal stromal tumor. Last evaluated: 2025-02-27. Review status: criteria provided, single submitter. Criteria: Invitae Variant Classification Sherloc (09022015). Collection method: clinical testing. Allele origin: germline.
Comment: This sequence change replaces aspartic acid, which is acidic and polar, with alanine, which is neutral and non-polar, at codon 266 of the KIT protein (p.Asp266Ala). This variant is not present in population databases (gnomAD no frequency). This variant has not been reported in the literature in individuals affected with KIT-related conditions. An algorithm developed to predict the effect of missense changes on protein structure and function (PolyPhen-2) suggests that this variant is likely to be disruptive. In summary, the available evidence is currently insufficient to determine the role of this variant in disease. Therefore, it has been classified as a Variant of Uncertain Significance.

NM_000222.3(KIT):c.797A>C (p.Asp266Ala)

Gene: KIT (KIT proto-oncogene, receptor tyrosine kinase; plus strand). Cytogenetic location: 4q12.
Variant type: single nucleotide variant.
Coding change: c.797A>C on transcript NM_000222.3 (MANE Select); coding-DNA position 797, A replaced by C.
Protein change: p.Asp266Ala; replaces aspartic acid 266 with alanine.
Molecular consequence: missense variant.
Genome position (GRCh38, 1-based): chr4:54,703,764, A>C. VCF-style: chr4-54703764-A-C. GRCh37 (hg19) VCF-style: chr4-55569930-A-C.
Other names: c.797A>C, p.Asp266Ala (NM_001093772.2, NM_001385285.1, NM_001385286.1); c.800A>C, p.Asp267Ala (NM_001385284.1, NM_001385288.1, NM_001385290.1 and 1 more transcripts); short protein forms D267A, D266A.
Identifiers: ClinVar variation 4763106 (VCV004763106.1).
Genomic context (GRCh38, chr4:54,703,764, plus strand): 5'-TCCTTTTCTGAAACCAGCAGACTAAACTACAGGAGAAATATAATAGCTGGCATCACGGTG[A>C]CTTCAATTATGAACGTCAGGCAACGTTGACTATCAGTTCAGCGAGAGTTAATGATTCTGG-3'
Protein context (NP_000213.1, residues 256-276): QEKYNSWHHG[Asp266Ala]FNYERQATLT